The following is an entry in ClinVar:

Conditions:
Breast-ovarian cancer, familial, susceptibility to, 1 (BROVCA1). Also called: BRCA1 Hereditary Breast and Ovarian Cancer; OVARIAN CANCER, SUSCEPTIBILITY TO. Identifiers: Orphanet 145, MedGen C2676676, MONDO:0011450, OMIM 604370. Disease mechanism: loss of function.

Allele frequency attached by ClinVar (database versions not stated): TOPMed below 0.00001.
gnomAD v4.1: 1 of 1,610,448 alleles (0.000062%); highest among the groups gnomAD compares: Non-Finnish European, 0.000085%; no homozygotes.

Submission:

Brotman Baty Institute, University of Washington
No classification provided (evidence only). Condition: Breast-ovarian cancer, familial 1. Review status: no classification provided. Collection method: in vitro. Allele origin: not applicable. Functional consequence: function_uncertain_variant.
ClinVar note: "not provided" was previously submitted as the classification for the variant. However, the classification appeared to be based only on an observation of functional data so it was converted to no classification on 2025-07-30.

NM_007294.4(BRCA1):c.5332+23G>A

Gene: BRCA1 (BRCA1 DNA repair associated; minus strand). Cytogenetic location: 17q21.31.
Variant type: single nucleotide variant.
Coding change: c.5332+23G>A on transcript NM_007294.4 (MANE Select); 23 bases into the intron after coding-DNA position 5332, G replaced by A.
Molecular consequence: intron variant.
Genome position (GRCh38, 1-based): chr17:43,051,040, C>T on the plus strand (G>A on the coding strand, the complement: BRCA1 is on the minus strand). VCF-style: chr17-43051040-C-T. GRCh37 (hg19) VCF-style: chr17-41203057-C-T.
Other names: c.1879+23G>A (NM_001408458.1, NM_001408461.1, NM_001408464.1 and 7 more transcripts); c.4441+23G>A (NM_001407967.1); c.4951+23G>A (NM_001407959.1); c.5065+23G>A (NM_001407931.1, NM_001407932.1, NM_001407928.1 and 4 more transcripts); c.5188+23G>A (NM_001407747.1, NM_001407745.1, NM_001407737.1 and 21 more transcripts); c.4948+23G>A (NM_001407962.1, NM_001407960.1); c.1519+23G>A (NM_001408512.1); c.1642+23G>A (NM_001408510.1); and 74 more.
Identifiers: ClinVar variation 868331 (VCV000868331.3), dbSNP rs2051190177, ClinGen allele CA916080948.